The following is an entry in ClinVar:

ClinVar aggregate classification (germline): Conflicting classifications of pathogenicity. Review status: criteria provided, conflicting classifications (1 of 4 stars). 3 submissions from 3 submitters: Uncertain significance (2); Likely benign (1). Last evaluated 2025-11-26.

Conditions:
Inborn genetic diseases. Identifiers: MedGen C0950123, MeSH D030342.

Allele frequency attached by ClinVar (database versions not stated): ExAC 0.00001; gnomAD exomes 0.00001; TOPMed 0.00001; gnomAD 0.00007.
gnomAD v4.1: 23 of 1,613,894 alleles (0.0014%); highest among the groups gnomAD compares: East Asian, 0.0022%; no homozygotes.

Submissions (3):

Ambry Genetics
Classification: Uncertain significance for Inborn genetic diseases. Last evaluated: 2025-11-26. Review status: criteria provided, single submitter. Criteria: Ambry Variant Classification Scheme 2023. Collection method: clinical testing. Allele origin: germline.

Laboratory of Genetics, Children's Clinical University Hospital Latvia
Classification: Likely benign. Last evaluated: 2025-02-16. Review status: criteria provided, single submitter. Criteria: ACMG Guidelines, 2015. Collection method: clinical testing. Allele origin: germline. Affected: yes.

Labcorp Genetics (formerly Invitae), Labcorp
Classification: Uncertain significance. Last evaluated: 2024-02-19. Review status: criteria provided, single submitter. Criteria: Invitae Variant Classification Sherloc (09022015). Collection method: clinical testing. Allele origin: germline.
Comment: This sequence change replaces glutamic acid, which is acidic and polar, with valine, which is neutral and non-polar, at codon 2624 of the VCAN protein (p.Glu2624Val). This variant is present in population databases (rs776337557, gnomAD 0.01%). This variant has not been reported in the literature in individuals affected with VCAN-related conditions. ClinVar contains an entry for this variant (Variation ID: 1347291). An algorithm developed to predict the effect of missense changes on protein structure and function (PolyPhen-2) suggests that this variant is likely to be tolerated. In summary, the available evidence is currently insufficient to determine the role of this variant in disease. Therefore, it has been classified as a Variant of Uncertain Significance.

NM_004385.5(VCAN):c.7871A>T (p.Glu2624Val)

Genes: VCAN (versican; plus strand), VCAN-AS1 (VCAN antisense RNA 1; minus strand). Cytogenetic location: 5q14.3.
Variant type: single nucleotide variant.
Coding change: c.7871A>T on transcript NM_004385.5 (MANE Select); coding-DNA position 7871, A replaced by T.
Protein change: p.Glu2624Val; replaces glutamic acid 2624 with valine.
Molecular consequence: missense variant. On other transcripts: intron variant (2).
Genome position (GRCh38, 1-based): chr5:83,540,874, A>T. VCF-style: chr5-83540874-A-T. GRCh37 (hg19) VCF-style: chr5-82836693-A-T.
Other names: c.7871A>T (NM_004385.4); c.4910A>T, p.Glu1637Val (NM_001164097.2); c.4004-4663A>T (NM_001164098.2); c.1043-4663A>T (NM_001126336.3); short protein forms E2624V, E1637V.
Identifiers: ClinVar variation 1347291 (VCV001347291.10), dbSNP rs776337557, ClinGen allele CA3333704.
Genomic context (GRCh38, chr5:83,540,874, plus strand): 5'-AACCACATGACAGTAATGATGAAAGTAATGATGACAGCACTCAAGTTCAAGAGATCTATG[A>T]GGCAGCTGTCAACCTTTCTTTAACTGAGGAAACATTTGAGGGCTCTGCTGATGTTCTGGC-3'
Protein context (NP_004376.2, residues 2614-2634): DDSTQVQEIY[Glu2624Val]AAVNLSLTEE